The following is an entry in ClinVar:

NM_001042492.3(NF1):c.2918A>T (p.Asp973Val)

Gene: NF1 (neurofibromin 1; plus strand). Cytogenetic location: 17q11.2.
Variant type: single nucleotide variant.
Coding change: c.2918A>T on transcript NM_001042492.3 (MANE Select); coding-DNA position 2918, A replaced by T.
Protein change: p.Asp973Val; replaces aspartic acid 973 with valine.
Molecular consequence: missense variant.
Genome position (GRCh38, 1-based): chr17:31,229,902, A>T. VCF-style: chr17-31229902-A-T. GRCh37 (hg19) VCF-style: chr17-29556920-A-T.
Other names: c.2918A>T, p.Asp973Val (NM_000267.4); short protein forms D973V.
Identifiers: ClinVar variation 4708404 (VCV004708404.1).

ClinVar aggregate classification (germline): Uncertain significance (1 of 4 stars; one submission).

Conditions:
Neurofibromatosis, type 1 (NF1). Also called: VON RECKLINGHAUSEN DISEASE; Peripheral type neurofibromatosis; NEUROFIBROMATOSIS, TYPE I, SOMATIC; Neurofibromatosis, type I. Identifiers: Orphanet 636, MedGen C0027831, MONDO:0018975, OMIM 162200. Disease mechanism: loss of function.

Submission:

Labcorp Genetics (formerly Invitae), Labcorp
Classification: Uncertain significance for Neurofibromatosis, type 1. Last evaluated: 2025-02-25. Review status: criteria provided, single submitter. Criteria: Invitae Variant Classification Sherloc (09022015). Collection method: clinical testing. Allele origin: germline.
Comment: This sequence change replaces aspartic acid, which is acidic and polar, with valine, which is neutral and non-polar, at codon 973 of the NF1 protein (p.Asp973Val). This variant is not present in population databases (gnomAD no frequency). This variant has not been reported in the literature in individuals affected with NF1-related conditions. Invitae Evidence Modeling of protein sequence and biophysical properties (such as structural, functional, and spatial information, amino acid conservation, physicochemical variation, residue mobility, and thermodynamic stability) indicates that this missense variant is expected to disrupt NF1 protein function with a positive predictive value of 95%. In summary, the available evidence is currently insufficient to determine the role of this variant in disease. Therefore, it has been classified as a Variant of Uncertain Significance.